The following is an entry in ClinVar:

NM_000053.4(ATP7B):c.1374A>G (p.Glu458=)

Gene: ATP7B (ATPase copper transporting beta; minus strand). Cytogenetic location: 13q14.3.
Variant type: single nucleotide variant.
Coding change: c.1374A>G on transcript NM_000053.4 (MANE Select); coding-DNA position 1374, A replaced by G.
Protein change: p.Glu458=; no amino-acid change (glutamic acid 458 retained).
Molecular consequence: synonymous variant.
Genome position (GRCh38, 1-based): chr13:51,970,661, T>C on the plus strand (A>G on the coding strand, the complement: ATP7B is on the minus strand). VCF-style: chr13-51970661-T-C. GRCh37 (hg19) VCF-style: chr13-52544797-T-C.
Other names: c.1374A>G, p.Glu458= (NM_001005918.3, NM_001330578.2, NM_001330579.2); c.1041A>G, p.Glu347= (NM_001243182.2).
Identifiers: ClinVar variation 1636694 (VCV001636694.9), dbSNP rs1298098944, ClinGen allele CA483897950.

ClinVar aggregate classification (germline): Likely benign. Review status: criteria provided, multiple submitters, no conflicts (2 of 4 stars). 2 submissions from 2 submitters: Likely benign (2). Last evaluated 2024-08-31.

Conditions:
Wilson disease (WND). Also called: Wilson's disease. Identifiers: Orphanet 905, MedGen C0019202, MONDO:0010200, OMIM 277900. Disease mechanism: loss of function.

Allele frequency attached by ClinVar (database versions not stated): gnomAD exomes below 0.00001; TOPMed 0.00001.
gnomAD v4.1: 2 of 1,614,202 alleles (0.00012%); highest among the groups gnomAD compares: Non-Finnish European, 0.00017%; no homozygotes.

Submissions (2):

Labcorp Genetics (formerly Invitae), Labcorp
Classification: Likely benign for Wilson disease. Last evaluated: 2024-08-31. Review status: criteria provided, single submitter. Criteria: Invitae Variant Classification Sherloc (09022015). Collection method: clinical testing. Allele origin: germline.

All of Us Research Program, National Institutes of Health
Classification: Likely benign for Wilson disease. Last evaluated: 2023-12-01. Review status: criteria provided, single submitter. Criteria: ACMG Guidelines, 2015. Collection method: clinical testing. Allele origin: germline. Inheritance: Autosomal recessive inheritance. Observed: 3 variant alleles, 3 heterozygotes.
Comment: This study involves interpretation of variants in research participants for the purpose of population health screening. Participant phenotype was not available at the time of variant classification. Additional details can be found in publication PMID: 35346344, PMCID: PMC8962531